The following is an entry in ClinVar:

ClinVar aggregate classification (germline): Likely pathogenic (1 of 4 stars; one submission).

Conditions:
Familial dysfibrinogenemia. Also called: Dysfibrinogenemia, congenital. Identifiers: Orphanet 335, Orphanet 98881, MedGen C0272350, MONDO:0014452, OMIM 616004.

Submission:

Women's Health and Genetics/Laboratory Corporation of America, LabCorp
Classification: Likely pathogenic for Familial dysfibrinogenemia. Last evaluated: 2024-04-26. Review status: criteria provided, single submitter. Criteria: LabCorp Variant Classification Summary - May 2015. Collection method: clinical testing. Allele origin: germline.
Comment: Variant summary: FGG c.1037A>G (p.Asp346Gly) results in a non-conservative amino acid change located in the fibrinogen, alpha/beta/gamma chain, C-terminal globular domain (IPR002181) of the encoded protein sequence. Five of five in-silico tools predict a damaging effect of the variant on protein function. The variant was absent in 251374 control chromosomes. c.1037A>G has been reported in the literature in at least two heterozygous individuals affected with congenital dysfibrinogenemia (e.g., Castaman_2008, Mukai_2015). These data indicate that the variant may be associated with disease. At least one publication reports experimental evidence evaluating an impact on protein function. This study demonstrated that variant fibrinogen is secreted at a significantly reduced rate when compared to wild-type fibrinogen (p<0.001). The following publications have been ascertained in the context of this evaluation (PMID: 18393984, 26573395). No submitters have cited clinical-significance assessments for this variant to ClinVar. Based on the evidence outlined above, the variant was classified as likely pathogenic.

Literature cited by the submitters: PubMed 18393984; PubMed 26573395.

NM_021870.3(FGG):c.1037A>G (p.Asp346Gly)

Gene: FGG (fibrinogen gamma chain; minus strand). Cytogenetic location: 4q32.1.
Variant type: single nucleotide variant.
Coding change: c.1037A>G on transcript NM_021870.3 (MANE Select); coding-DNA position 1037, A replaced by G.
Protein change: p.Asp346Gly; replaces aspartic acid 346 with glycine.
Molecular consequence: missense variant.
Genome position (GRCh38, 1-based): chr4:154,606,797, T>C on the plus strand (A>G on the coding strand, the complement: FGG is on the minus strand). VCF-style: chr4-154606797-T-C. GRCh37 (hg19) VCF-style: chr4-155527949-T-C.
Other names: c.1037A>G, p.Asp346Gly (NM_000509.6); short protein forms D346G.
Identifiers: ClinVar variation 3251653 (VCV003251653.1), dbSNP rs2530855793.